The following is an entry in ClinVar:

ClinVar aggregate classification (germline): Benign/Likely benign. Review status: criteria provided, multiple submitters, no conflicts (2 of 4 stars). 3 submissions from 3 submitters: Benign (1); Likely benign (2). Last evaluated 2025-10-28.

Conditions:
Inborn genetic diseases. Identifiers: MedGen C0950123, MeSH D030342.
Rubinstein-Taybi syndrome (RSTS). Identifiers: Orphanet 783, MedGen C0035934, MONDO:0019188.

Allele frequency attached by ClinVar (database versions not stated): ExAC 0.00003; gnomAD 0.00006; TOPMed 0.00006; ESP Exome Variant Server 0.00023.
gnomAD v4.1: 193 of 1,614,074 alleles (0.012%); highest among the groups gnomAD compares: Non-Finnish European, 0.015%; no homozygotes.

Submissions (3):

Labcorp Genetics (formerly Invitae), Labcorp
Classification: Benign for Rubinstein-Taybi syndrome. Last evaluated: 2025-10-28. Review status: criteria provided, single submitter. Criteria: Invitae Variant Classification Sherloc (09022015). Collection method: clinical testing. Allele origin: germline.

Ambry Genetics
Classification: Likely benign for Inborn genetic diseases. Last evaluated: 2025-09-29. Review status: criteria provided, single submitter. Criteria: Ambry Variant Classification Scheme 2023. Collection method: clinical testing. Allele origin: germline.

CeGaT Center for Human Genetics Tuebingen
Classification: Likely benign. Last evaluated: 2023-08-01. Review status: criteria provided, single submitter. Criteria: CeGaT Center For Human Genetics Tuebingen Variant Classification Criteria Version 2. Collection method: clinical testing. Allele origin: germline. Affected: yes. Observed: 1 variant allele.
Comment: CREBBP: BP4, BS2

NM_004380.3(CREBBP):c.2980G>A (p.Val994Met)

Gene: CREBBP (CREB binding lysine acetyltransferase; minus strand). Cytogenetic location: 16p13.3.
Variant type: single nucleotide variant.
Coding change: c.2980G>A on transcript NM_004380.3 (MANE Select); coding-DNA position 2980, G replaced by A.
Protein change: p.Val994Met; replaces valine 994 with methionine.
Molecular consequence: missense variant.
Genome position (GRCh38, 1-based): chr16:3,769,254, C>T on the plus strand (G>A on the coding strand, the complement: CREBBP is on the minus strand). VCF-style: chr16-3769254-C-T. GRCh37 (hg19) VCF-style: chr16-3819255-C-T.
Other names: c.2866G>A, p.Val956Met (NM_001079846.1); c.2980G>A (NM_004380.2); short protein forms V994M, V956M.
Identifiers: ClinVar variation 2043993 (VCV002043993.28), dbSNP rs199757066, ClinGen allele CA7869977.
Genomic context (GRCh38, chr16:3,769,254, plus strand): 5'-TGGATTCACCAGGATCGGGCTCAGTGTCCTCTGCTTGGGTCTCCGTCTTCATTTCCAGCA[C>T]AGGTACGTCAGGTCCTGGCTGCTGGGAATTGGTTTCTGCGCTGGCCACCGAGGAGGGGGT-3'
Protein context (NP_004371.2, residues 984-1004): NSQQPGPDVP[Val994Met]LEMKTETQAE